The following is an entry in ClinVar:

NM_005138.3(SCO2):c.142G>A (p.Gly48Arg)

Genes: NCAPH2 (non-SMC condensin II complex subunit H2; plus strand), SCO2 (synthesis of cytochrome C oxidase 2; minus strand). Cytogenetic location: 22q13.33.
Variant type: single nucleotide variant.
Coding change: c.142G>A on transcript NM_005138.3 (MANE Select); coding-DNA position 142, G replaced by A.
Protein change: p.Gly48Arg; replaces glycine 48 with arginine.
Molecular consequence: missense variant. On other transcripts: 3 prime UTR variant (2).
Genome position (GRCh38, 1-based): chr22:50,524,270, C>T on the plus strand (G>A on the coding strand, the complement: SCO2 is on the minus strand). VCF-style: chr22-50524270-C-T. GRCh37 (hg19) VCF-style: chr22-50962699-C-T.
Other names: c.*895C>T (NM_001185011.2, NM_152299.4); c.142G>A, p.Gly48Arg (NM_001169109.2, NM_001169110.1, NM_001169111.2); c.142G>A (NM_005138.2); short protein forms G48R.
Identifiers: ClinVar variation 1395867 (VCV001395867.6), dbSNP rs527888621, ClinGen allele CA325556186.

ClinVar aggregate classification (germline): Conflicting classifications of pathogenicity. Review status: criteria provided, conflicting classifications (1 of 4 stars). 2 submissions from 2 submitters: Uncertain significance (1); Likely benign (1). Last evaluated 2025-04-08.

Conditions:
Inborn genetic diseases. Identifiers: MedGen C0950123, MeSH D030342.

Allele frequency attached by ClinVar (database versions not stated): gnomAD 0.00002 and 0.00001; TOPMed below 0.00001; gnomAD exomes below 0.00001 and 0.00001.
gnomAD v4.1: 19 of 1,604,284 alleles (0.0012%); highest among the groups gnomAD compares: Admixed American, 0.0017%; no homozygotes.

Submissions (2):

Ambry Genetics
Classification: Likely benign for Inborn genetic diseases. Last evaluated: 2025-04-08. Review status: criteria provided, single submitter. Criteria: Ambry Variant Classification Scheme 2023. Collection method: clinical testing. Allele origin: germline.

Labcorp Genetics (formerly Invitae), Labcorp
Classification: Uncertain significance. Last evaluated: 2021-09-01. Review status: criteria provided, single submitter. Criteria: Invitae Variant Classification Sherloc (09022015). Collection method: clinical testing. Allele origin: germline.
Comment: This sequence change replaces glycine with arginine at codon 48 of the SCO2 protein (p.Gly48Arg). The glycine residue is weakly conserved and there is a moderate physicochemical difference between glycine and arginine. This variant is not present in population databases (ExAC no frequency). This variant has not been reported in the literature in individuals affected with SCO2-related conditions. Algorithms developed to predict the effect of missense changes on protein structure and function output the following: SIFT: "Tolerated"; PolyPhen-2: "Benign"; Align-GVGD: "Class C0". The arginine amino acid residue is found in multiple mammalian species, which suggests that this missense change does not adversely affect protein function. In summary, the available evidence is currently insufficient to determine the role of this variant in disease. Therefore, it has been classified as a Variant of Uncertain Significance.